The following is an entry in ClinVar:

NM_001166108.2(PALLD):c.789C>T (p.Ser263=)

Gene: PALLD (palladin, cytoskeletal associated protein; plus strand). Cytogenetic location: 4q32.3.
Variant type: single nucleotide variant.
Coding change: c.789C>T on transcript NM_001166108.2 (MANE Select); coding-DNA position 789, C replaced by T.
Protein change: p.Ser263=; no amino-acid change (serine 263 retained).
Molecular consequence: synonymous variant.
Genome position (GRCh38, 1-based): chr4:168,512,293, C>T. VCF-style: chr4-168512293-C-T. GRCh37 (hg19) VCF-style: chr4-169433444-C-T.
Other names: c.789C>T, p.Ser263= (NM_016081.4).
Identifiers: ClinVar variation 348033 (VCV000348033.15), dbSNP rs72695199, ClinGen allele CA3135433.
Genomic context (GRCh38, chr4:168,512,293, plus strand): 5'-CCAGGACAACCAGGACTTGGCAGTGCCACACAACCGCAAGTCTCACCCACAGCCCCACAG[C>T]GCCCTCCACTTCCCAGCTGCACCTCGATTCATCCAAAAGCTGAGGAGCCAAGAAGTAGCA-3'
Protein context (NP_001159580.1, residues 253-273): HNRKSHPQPH[Ser263=]ALHFPAAPRF

ClinVar aggregate classification (germline): Benign. Review status: criteria provided, multiple submitters, no conflicts (2 of 4 stars). 6 submissions from 6 submitters: Benign (6). Last evaluated 2023-07-07.

Conditions:
Pancreatic cancer, susceptibility to, 1. Identifiers: Orphanet 1333, MedGen C1847351, MONDO:0011739, OMIM 606856.

Allele frequency attached by ClinVar (database versions not stated): 1000 Genomes Project 30x 0.05762; gnomAD 0.09674 and 0.09517; gnomAD exomes 0.11952 and 0.10216; ExAC 0.10492; ESP Exome Variant Server 0.10434; 1000 Genomes Project 0.05731; TOPMed 0.09226.
gnomAD v4.1: 189,085 of 1,613,934 alleles (12%); highest among the groups gnomAD compares: Middle Eastern, 15%; 12,010 homozygotes.

Submissions (6):

KCCC/NGS Laboratory, Kuwait Cancer Control Center
Classification: Benign for Pancreatic cancer, susceptibility to, 1. Last evaluated: 2023-07-07. Review status: criteria provided, single submitter. Criteria: ACMG Guidelines, 2015. Collection method: clinical testing. Allele origin: germline. Affected: yes.

Ambry Genetics
Classification: Benign. Last evaluated: 2020-07-30. Review status: criteria provided, single submitter. Criteria: Ambry Variant Classification Scheme 2023. Collection method: clinical testing. Allele origin: germline.

Labcorp Genetics (formerly Invitae), Labcorp
Classification: Benign. Last evaluated: 2018-07-02. Review status: criteria provided, single submitter. Criteria: Invitae Variant Classification Sherloc (09022015). Collection method: clinical testing. Allele origin: germline.

Illumina Laboratory Services, Illumina
Classification: Benign for Pancreatic cancer, susceptibility to, 1. Last evaluated: 2018-01-12. Review status: criteria provided, single submitter. Criteria: ICSL Variant Classification Criteria 13 December 2019. Collection method: clinical testing. Allele origin: germline.
Comment: This variant was observed in the ICSL laboratory as part of a predisposition screen in an ostensibly healthy population. It had not been previously curated by ICSL or reported in the Human Gene Mutation Database (HGMD: prior to June 1st, 2018), and was therefore a candidate for classification through an automated scoring system. Utilizing variant allele frequency, disease prevalence and penetrance estimates, and inheritance mode, an automated score was calculated to assess if this variant is too frequent to cause the disease. Based on the score and internal cut-off values, a variant classified as benign is not then subjected to further curation. The score for this variant resulted in a classification of benign for this disease.

GeneDx
Classification: Benign. Last evaluated: 2015-03-03. Review status: criteria provided, single submitter. Criteria: GeneDx Variant Classification Process June 2021. Collection method: clinical testing. Allele origin: germline. Affected: yes.

Breakthrough Genomics
Classification: Benign. Review status: criteria provided, single submitter. Criteria: ACMG Guidelines, 2015. Collection method: not provided. Allele origin: germline. Inheritance: Autosomal dominant inheritance. Affected: yes.